The following is an entry in ClinVar:

NM_001378452.1(ITPR1):c.4251C>T (p.Arg1417=)

Gene: ITPR1 (inositol 1,4,5-trisphosphate receptor type 1; plus strand). Cytogenetic location: 3p26.1.
Variant type: single nucleotide variant.
Coding change: c.4251C>T on transcript NM_001378452.1 (MANE Select); coding-DNA position 4251, C replaced by T.
Protein change: p.Arg1417=; no amino-acid change (arginine 1417 retained).
Molecular consequence: synonymous variant.
Genome position (GRCh38, 1-based): chr3:4,693,711, C>T. VCF-style: chr3-4693711-C-T. GRCh37 (hg19) VCF-style: chr3-4735395-C-T.
Other names: c.4224C>T, p.Arg1408= (NM_001099952.4); c.4206C>T, p.Arg1402= (NM_001168272.2); c.4179C>T, p.Arg1393= (NM_002222.7); c.4179C>T (NM_002222.5).
Identifiers: ClinVar variation 447588 (VCV000447588.9), dbSNP rs375223250, ClinGen allele CA2231920.
Genomic context (GRCh38, chr3:4,693,711, plus strand): 5'-TAAGAATGTCTACACAGAGATCAAGTGCAACTCCCTGCTCCCGCTGGATGACATCGTTCG[C>T]GTGGTGACCCACGAGGACTGCATCCCTGAGGTGAGCGAGCCCAGCCTGGCTGTGCCCTTC-3'
Protein context (NP_001365381.1, residues 1407-1427): NSLLPLDDIV[Arg1417=]VVTHEDCIPE

ClinVar aggregate classification (germline): Benign/Likely benign. Review status: criteria provided, multiple submitters, no conflicts (2 of 4 stars). 3 submissions from 3 submitters: Benign (1); Likely benign (1). 1 of the submissions does not count toward it. Last evaluated 2024-04-23.

Conditions:
ITPR1-related disorder. Also called: ITPR1-related condition.

Allele frequency attached by ClinVar (database versions not stated): gnomAD 0.00001; TOPMed 0.00001; gnomAD exomes 0.00007 and 0.00013; ESP Exome Variant Server 0.00008; ExAC 0.00017.
gnomAD v4.1: 107 of 1,613,410 alleles (0.0066%); highest among the groups gnomAD compares: South Asian, 0.11%; no homozygotes.

Submissions (3):

Labcorp Genetics (formerly Invitae), Labcorp
Classification: Likely benign. Last evaluated: 2024-04-23. Review status: criteria provided, single submitter. Criteria: Invitae Variant Classification Sherloc (09022015). Collection method: clinical testing. Allele origin: germline.

Athena Diagnostics
Classification: Benign. Last evaluated: 2016-11-03. Review status: criteria provided, single submitter. Criteria: Athena Diagnostics Criteria. Collection method: clinical testing. Allele origin: germline.

PreventionGenetics, part of Exact Sciences
Classification: Likely benign for ITPR1-related condition. Last evaluated: 2024-06-16. Review status: no assertion criteria provided. Collection method: clinical testing. Allele origin: germline. Not counted in ClinVar's aggregate classification.
Comment: This variant is classified as likely benign based on ACMG/AMP sequence variant interpretation guidelines (Richards et al. 2015 PMID: 25741868, with internal and published modifications).